The following is an entry in ClinVar:

ClinVar aggregate classification (germline): Benign. Review status: criteria provided, multiple submitters, no conflicts (2 of 4 stars). 5 submissions from 5 submitters: Benign (4). 1 of the submissions does not count toward it. Last evaluated 2026-01-29.

Conditions:
Congenital hyperammonemia, type I. Also called: CPS I DEFICIENCY; Carbamoyl phosphate synthetase 1 deficiency; Hyperammonemia due to carbamoyl phosphate synthetase 1 deficiency; CPS 1 deficiency; Carbamyl phosphate synthetase (CPS) deficiency; Carbamoyl phosphate synthetase I deficiency disease. Identifiers: Orphanet 147, MedGen C4082171, MONDO:0009376, OMIM 237300.

Allele frequency attached by ClinVar (database versions not stated): TOPMed 0.00019; gnomAD 0.00020 and 0.00092; ESP Exome Variant Server 0.00023; gnomAD exomes 0.00141 and 0.00296; ExAC 0.00333; 1000 Genomes Project 0.00619; 1000 Genomes Project 30x 0.00656.
gnomAD v4.1: 2,221 of 1,613,736 alleles (0.14%); highest among the groups gnomAD compares: South Asian, 2.2%; 52 homozygotes.

Submissions (5):

Labcorp Genetics (formerly Invitae), Labcorp
Classification: Benign for Congenital hyperammonemia, type I. Last evaluated: 2026-01-29. Review status: criteria provided, single submitter. Criteria: Invitae Variant Classification Sherloc (09022015). Collection method: clinical testing. Allele origin: germline.

Illumina Laboratory Services, Illumina
Classification: Benign for Congenital hyperammonemia, type I. Last evaluated: 2018-01-13. Review status: criteria provided, single submitter. Criteria: ICSL Variant Classification Criteria 13 December 2019. Collection method: clinical testing. Allele origin: germline.
Comment: This variant was observed in the ICSL laboratory as part of a predisposition screen in an ostensibly healthy population. It had not been previously curated by ICSL or reported in the Human Gene Mutation Database (HGMD: prior to June 1st, 2018), and was therefore a candidate for classification through an automated scoring system. Utilizing variant allele frequency, disease prevalence and penetrance estimates, and inheritance mode, an automated score was calculated to assess if this variant is too frequent to cause the disease. Based on the score and internal cut-off values, a variant classified as benign is not then subjected to further curation. The score for this variant resulted in a classification of benign for this disease.

GeneDx
Classification: Benign. Last evaluated: 2017-04-04. Review status: criteria provided, single submitter. Criteria: GeneDx Variant Classification (06012015). Collection method: clinical testing. Allele origin: germline. Affected: yes.
Comment: This variant is considered likely benign or benign based on one or more of the following criteria: it is a conservative change, it occurs at a poorly conserved position in the protein, it is predicted to be benign by multiple in silico algorithms, and/or has population frequency not consistent with disease.

Breakthrough Genomics
Classification: Benign. Review status: criteria provided, single submitter. Criteria: ACMG Guidelines, 2015. Collection method: not provided. Allele origin: germline. Inheritance: Autosomal recessive inheritance. Affected: yes.

Natera, Inc.
Classification: Benign for Carbamoyl-phosphate synthase I deficiency. Last evaluated: 2020-09-16. Review status: no assertion criteria provided. Collection method: clinical testing. Allele origin: germline. Not counted in ClinVar's aggregate classification.

NM_001875.5(CPS1):c.4404+4T>A

Gene: CPS1 (carbamoyl-phosphate synthase 1; plus strand). Cytogenetic location: 2q34.
Variant type: single nucleotide variant.
Coding change: c.4404+4T>A on transcript NM_001875.5 (MANE Select); 4 bases into the intron after coding-DNA position 4404, T replaced by A.
Molecular consequence: intron variant.
Genome position (GRCh38, 1-based): chr2:210,677,140, T>A. VCF-style: chr2-210677140-T-A. GRCh37 (hg19) VCF-style: chr2-211541864-T-A.
Other names: c.4404+4T>A (LRG_336t1, NM_001369257.1, NM_001122633.3); c.4437+4T>A (NM_001369256.1).
Identifiers: ClinVar variation 334036 (VCV000334036.18), dbSNP rs199739254, ClinGen allele CA2087277.
Genomic context (GRCh38, chr2:210,677,140, plus strand): 5'-TATGTGATTCGGAGGACAGCTGTTGATAGTGGAATCCCTCTCCTCACTAATTTTCAGGTA[T>A]AGTCTTTTCCTTGGATATAGACTGGATGGGAGTTTTATTTCTGTGCCTCCCTTAAGAGTG-3'